The following is an entry in ClinVar:

ClinVar aggregate classification (germline): Uncertain significance (1 of 4 stars; one submission).

Conditions:
Intellectual developmental disorder, X-linked, syndromic, Claes-Jensen type. Also called: INTELLECTUAL DEVELOPMENTAL DISORDER, X-LINKED, SYNDROMIC 16; MENTAL RETARDATION, X-LINKED, SYNDROMIC 16; Syndromic X-linked intellectual disability Claes-Jensen type. Identifiers: Orphanet 85279, MedGen C1845243, MONDO:0010355, OMIM 300534.

Allele frequency attached by ClinVar (database versions not stated): ExAC 0.00002; 1000 Genomes Project 30x 0.00042; gnomAD 0.00001; 1000 Genomes Project 0.00026.
gnomAD v4.1: 3 of 1,200,844 alleles (0.00025%); highest among the groups gnomAD compares: South Asian, 0.0036%; no homozygotes.

Submission:

Diagnostics Services (NGS), CSIR - Centre For Cellular And Molecular Biology
Classification: Uncertain significance for Intellectual developmental disorder, X-linked, syndromic, Claes-Jensen type. Last evaluated: 2022-09-09. Review status: criteria provided, single submitter. Criteria: ACMG Guidelines, 2015. Collection method: clinical testing. Allele origin: germline. Affected: yes. Observed: 1 variant allele, 1 hemizygote.
Comment: The c.2785C>G variant is not present in publicly available population databases like EVS, Indian Exome Database or our in-house exome database. The variant is present in 1000 Genomes, ExAC and gnomAD at a low frequency. This variant has neither been published in literature nor reported to the ClinVar, Human Genome Mutation Database (HGMD) or OMIM databases, in any affected individuals. Predictions from different in-silico pathogenicity prediction programs like SIFT, Polyphen-2, MutationTaster2, CADD etc. are contradictory.

NM_004187.5(KDM5C):c.2785C>G (p.Arg929Gly)

Gene: KDM5C (lysine demethylase 5C; minus strand). Cytogenetic location: Xp11.22.
Variant type: single nucleotide variant.
Coding change: c.2785C>G on transcript NM_004187.5 (MANE Select); coding-DNA position 2785, C replaced by G.
Protein change: p.Arg929Gly; replaces arginine 929 with glycine.
Molecular consequence: missense variant. On other transcripts: non-coding transcript variant (3).
Genome position (GRCh38, 1-based): chrX:53,196,882, G>C on the plus strand (C>G on the coding strand, the complement: KDM5C is on the minus strand). VCF-style: chrX-53196882-G-C. GRCh37 (hg19) VCF-style: chrX-53226064-G-C.
Other names: c.2584C>G, p.Arg862Gly (NM_001146702.2); c.2782C>G, p.Arg928Gly (NM_001282622.3, NM_001353979.2, NM_001353982.2); c.2785C>G, p.Arg929Gly (NM_001353978.3, NM_001353981.2, NM_001353984.2); short protein forms R862G, R928G, R929G.
Identifiers: ClinVar variation 1802243 (VCV001802243.3), dbSNP rs782405999, ClinGen allele CA10419329.